The following is an entry in ClinVar:

NM_001031689.3(PLAA):c.966T>G (p.Ile322Met)

Gene: PLAA (phospholipase A2 activating protein; minus strand). Cytogenetic location: 9p21.2.
Variant type: single nucleotide variant.
Coding change: c.966T>G on transcript NM_001031689.3 (MANE Select); coding-DNA position 966, T replaced by G.
Protein change: p.Ile322Met; replaces isoleucine 322 with methionine.
Molecular consequence: missense variant.
Genome position (GRCh38, 1-based): chr9:26,923,251, A>C on the plus strand (T>G on the coding strand, the complement: PLAA is on the minus strand). VCF-style: chr9-26923251-A-C. GRCh37 (hg19) VCF-style: chr9-26923249-A-C.
Other names: c.966T>G, p.Ile322Met (NM_001321546.2); short protein forms I322M.
Identifiers: ClinVar variation 1907043 (VCV001907043.5), dbSNP rs766893104, ClinGen allele CA5014500.
Genomic context (GRCh38, chr9:26,923,251, plus strand): 5'-ATGTTCCCTCCCAGGAAGCTGCTCAGCATTGATGTCCCCTAAATCGCCAGTTTTAGAATC[A>C]ATGGTTGCGTGAGACAGTTCTTTTTCAAAAGCCTTGATTTCTTCAGCACTTGCTGTTCGA-3'
Protein context (NP_001026859.1, residues 312-332): AFEKELSHAT[Ile322Met]DSKTGDLGDI

ClinVar aggregate classification (germline): Uncertain significance (1 of 4 stars; one submission).

Allele frequency attached by ClinVar (database versions not stated): gnomAD exomes below 0.00001; TOPMed below 0.00001; ExAC 0.00001.
gnomAD v4.1: 1 of 1,613,868 alleles (0.000062%); highest among the groups gnomAD compares: African/African-American, 0.0013%; no homozygotes.

Submission:

Labcorp Genetics (formerly Invitae), Labcorp
Classification: Uncertain significance. Last evaluated: 2022-06-01. Review status: criteria provided, single submitter. Criteria: Invitae Variant Classification Sherloc (09022015). Collection method: clinical testing. Allele origin: germline.
Comment: This sequence change replaces isoleucine, which is neutral and non-polar, with methionine, which is neutral and non-polar, at codon 322 of the PLAA protein (p.Ile322Met). This variant is present in population databases (rs766893104, gnomAD 0.007%). This variant has not been reported in the literature in individuals affected with PLAA-related conditions. Algorithms developed to predict the effect of missense changes on protein structure and function are either unavailable or do not agree on the potential impact of this missense change (SIFT: "Tolerated"; PolyPhen-2: "Possibly Damaging"; Align-GVGD: "Class C0"). In summary, the available evidence is currently insufficient to determine the role of this variant in disease. Therefore, it has been classified as a Variant of Uncertain Significance.